The following is an entry in ClinVar:

ClinVar aggregate classification (germline): Uncertain significance (1 of 4 stars; one submission).

Conditions:
Severe myoclonic epilepsy in infancy (DRVT). Also called: DEVELOPMENTAL AND EPILEPTIC ENCEPHALOPATHY 6A; Severe Myoclonic Epilepsy in Infancy (SMEI); Epileptic encephalopathy, early infantile, 6 (Dravet syndrome); SEVERE MYOCLONIC EPILEPSY OF INFANCY; Dravet syndrome. Identifiers: Orphanet 33069, MedGen C0751122, MONDO:0100135, OMIM 607208.

Allele frequency attached by ClinVar (database versions not stated): TOPMed 0.00002.
gnomAD v4.1: 2 of 1,598,334 alleles (0.00013%); highest among the groups gnomAD compares: Admixed American, 0.0034%; no homozygotes.

Submission:

Labcorp Genetics (formerly Invitae), Labcorp
Classification: Uncertain significance for Severe myoclonic epilepsy in infancy. Last evaluated: 2022-05-29. Review status: criteria provided, single submitter. Criteria: Invitae Variant Classification Sherloc (09022015). Collection method: clinical testing. Allele origin: germline.
Comment: This sequence change replaces alanine, which is neutral and non-polar, with valine, which is neutral and non-polar, at codon 303 of the SNX27 protein (p.Ala303Val). This variant is present in population databases (rs751034029, gnomAD 0.006%). This variant has not been reported in the literature in individuals affected with SNX27-related conditions. ClinVar contains an entry for this variant (Variation ID: 646435). Algorithms developed to predict the effect of missense changes on protein structure and function (SIFT, PolyPhen-2, Align-GVGD) all suggest that this variant is likely to be tolerated. In summary, the available evidence is currently insufficient to determine the role of this variant in disease. Therefore, it has been classified as a Variant of Uncertain Significance.

NM_001330723.2(SNX27):c.908C>T (p.Ala303Val)

Gene: SNX27 (sorting nexin 27; plus strand). Cytogenetic location: 1q21.3.
Variant type: single nucleotide variant.
Coding change: c.908C>T on transcript NM_001330723.2 (MANE Select); coding-DNA position 908, C replaced by T.
Protein change: p.Ala303Val; replaces alanine 303 with valine.
Molecular consequence: missense variant.
Genome position (GRCh38, 1-based): chr1:151,665,934, C>T. VCF-style: chr1-151665934-C-T. GRCh37 (hg19) VCF-style: chr1-151638410-C-T.
Other names: c.908C>T, p.Ala303Val (NM_030918.6); short protein forms A303V.
Identifiers: ClinVar variation 646435 (VCV000646435.8), dbSNP rs751034029, ClinGen allele CA1093538.